The following is an entry in ClinVar:

ClinVar aggregate classification (germline): Uncertain significance. Review status: criteria provided, multiple submitters, no conflicts (2 of 4 stars). 2 submissions from 2 submitters: Uncertain significance (2). Last evaluated 2025-11-13.

Conditions:
Glycogen storage disease, type V (GSD5). Also called: McArdle type glycogen storage disease; MCARDLE DISEASE; MUSCLE GLYCOGEN PHOSPHORYLASE DEFICIENCY; MYOPHOSPHORYLASE DEFICIENCY; PYGM DEFICIENCY. Identifiers: Orphanet 368, MedGen C0017924, MONDO:0009293, OMIM 232600.

gnomAD v4.1: 2 of 1,605,408 alleles (0.00012%); highest among the groups gnomAD compares: Admixed American, 0.0034%; no homozygotes.

Submissions (2):

Myriad Genetics, Inc.
Classification: Uncertain significance for Glycogen storage disease, type V. Last evaluated: 2025-11-13. Review status: criteria provided, single submitter. Criteria: Myriad Autosomal Dominant, Autosomal Recessive and X-Linked Classification Criteria (2023). Collection method: clinical testing. Allele origin: unknown.
Comment: NM_005609.2(PYGM):c.1346G>C(G449A) is a missense variant classified as a variant of uncertain significance in the context of glycogen storage disease, PYGM-related. G449A has not been observed in cases with relevant disease. Relevant functional assessments of this variant are not available in the literature. G449A has not been observed in referenced population frequency databases. In summary, there is insufficient evidence to classify NM_005609.2(PYGM):c.1346G>C(G449A) as pathogenic or benign. Please note: this variant was assessed in the context of healthy population screening.

Fulgent Genetics
Classification: Uncertain significance for Glycogen storage disease, type V. Last evaluated: 2024-05-18. Review status: criteria provided, single submitter. Criteria: ACMG Guidelines, 2015. Collection method: clinical testing. Allele origin: germline.

NM_005609.4(PYGM):c.1346G>C (p.Gly449Ala)

Gene: PYGM (glycogen phosphorylase, muscle associated; minus strand). Cytogenetic location: 11q13.1.
Variant type: single nucleotide variant.
Coding change: c.1346G>C on transcript NM_005609.4 (MANE Select); coding-DNA position 1346, G replaced by C.
Protein change: p.Gly449Ala; replaces glycine 449 with alanine.
Molecular consequence: missense variant.
Genome position (GRCh38, 1-based): chr11:64,753,576, C>G on the plus strand (G>C on the coding strand, the complement: PYGM is on the minus strand). VCF-style: chr11-64753576-C-G. GRCh37 (hg19) VCF-style: chr11-64521048-C-G.
Other names: c.1082G>C, p.Gly361Ala (NM_001164716.1); short protein forms G361A, G449A.
Identifiers: ClinVar variation 3600049 (VCV003600049.2).